The following is an entry in ClinVar:

NM_207352.4(CYP4V2):c.1135C>T (p.Arg379Trp)

Gene: CYP4V2 (cytochrome P450 family 4 subfamily V member 2; plus strand). Cytogenetic location: 4q35.2.
Variant type: single nucleotide variant.
Coding change: c.1135C>T on transcript NM_207352.4 (MANE Select); coding-DNA position 1135, C replaced by T.
Protein change: p.Arg379Trp; replaces arginine 379 with tryptophan.
Molecular consequence: missense variant.
Genome position (GRCh38, 1-based): chr4:186,208,909, C>T. VCF-style: chr4-186208909-C-T. GRCh37 (hg19) VCF-style: chr4-187130063-C-T.
Other names: short protein forms R379W.
Identifiers: ClinVar variation 1952454 (VCV001952454.2), dbSNP rs773125864, ClinGen allele CA3162769.
Genomic context (GRCh38, chr4:186,208,909, plus strand): 5'-TACTTGCTTTCATCAGGGAAGTCTGACCGTCCCGCTACAGTAGAAGACCTGAAGAAACTT[C>T]GGTATCTGGAATGTGTTATTAAGGAGACCCTTCGCCTTTTTCCTTCTGTTCCTTTATTTG-3'
Protein context (NP_997235.3, residues 369-389): PATVEDLKKL[Arg379Trp]YLECVIKETL

ClinVar aggregate classification (germline): Uncertain significance (1 of 4 stars; one submission).

Allele frequency attached by ClinVar (database versions not stated): gnomAD 0.00001; TOPMed 0.00001; ExAC 0.00002.
gnomAD v4.1: 20 of 1,614,082 alleles (0.0012%); highest among the groups gnomAD compares: Middle Eastern, 0.016%; no homozygotes.

Submission:

Labcorp Genetics (formerly Invitae), Labcorp
Classification: Uncertain significance. Last evaluated: 2022-03-11. Review status: criteria provided, single submitter. Criteria: Invitae Variant Classification Sherloc (09022015). Collection method: clinical testing. Allele origin: germline.
Comment: This sequence change replaces arginine, which is basic and polar, with tryptophan, which is neutral and slightly polar, at codon 379 of the CYP4V2 protein (p.Arg379Trp). This variant is present in population databases (rs773125864, gnomAD 0.01%). This variant has not been reported in the literature in individuals affected with CYP4V2-related conditions. Algorithms developed to predict the effect of missense changes on protein structure and function are either unavailable or do not agree on the potential impact of this missense change (SIFT: "Deleterious"; PolyPhen-2: "Probably Damaging"; Align-GVGD: "Class C0"). In summary, the available evidence is currently insufficient to determine the role of this variant in disease. Therefore, it has been classified as a Variant of Uncertain Significance.